The following is an entry in ClinVar:

ClinVar aggregate classification (germline): Likely benign. Review status: criteria provided, multiple submitters, no conflicts (2 of 4 stars). 3 submissions from 3 submitters: Likely benign (3). Last evaluated 2024-03-01.

Conditions:
Cardiovascular phenotype. Identifiers: MedGen CN230736.
DK1-congenital disorder of glycosylation. Also called: DK1-CDG; CONGENITAL DISORDER OF GLYCOSYLATION, TYPE Im; CDG Im; DK1 DEFICIENCY; DOLICHOL KINASE DEFICIENCY; DOLK-congenital disorder of glycosylation. Identifiers: Orphanet 91131, MedGen C1835849, MONDO:0012556, OMIM 610768.

Allele frequency attached by ClinVar (database versions not stated): ExAC 0.00001; gnomAD exomes 0.00001; TOPMed 0.00002; gnomAD 0.00003.

Submissions (3):

CeGaT Center for Human Genetics Tuebingen
Classification: Likely benign. Last evaluated: 2024-03-01. Review status: criteria provided, single submitter. Criteria: CeGaT Center For Human Genetics Tuebingen Variant Classification Criteria Version 2. Collection method: clinical testing. Allele origin: germline. Affected: yes. Observed: 1 variant allele.
Comment: DOLK: BP4, BP7

Labcorp Genetics (formerly Invitae), Labcorp
Classification: Likely benign for DK1-congenital disorder of glycosylation. Last evaluated: 2023-07-31. Review status: criteria provided, single submitter. Criteria: Invitae Variant Classification Sherloc (09022015). Collection method: clinical testing. Allele origin: germline.

Ambry Genetics
Classification: Likely benign for Cardiovascular phenotype. Last evaluated: 2022-04-03. Review status: criteria provided, single submitter. Criteria: Ambry Variant Classification Scheme 2023. Collection method: clinical testing. Allele origin: germline.

NM_014908.4(DOLK):c.1086C>T (p.Ala362=)

Gene: DOLK (dolichol kinase; minus strand). Cytogenetic location: 9q34.11.
Variant type: single nucleotide variant.
Coding change: c.1086C>T on transcript NM_014908.4 (MANE Select); coding-DNA position 1086, C replaced by T.
Protein change: p.Ala362=; no amino-acid change (alanine 362 retained).
Molecular consequence: synonymous variant.
Genome position (GRCh38, 1-based): chr9:128,946,218, G>A on the plus strand (C>T on the coding strand, the complement: DOLK is on the minus strand). VCF-style: chr9-128946218-G-A. GRCh37 (hg19) VCF-style: chr9-131708497-G-A.
Identifiers: ClinVar variation 766222 (VCV000766222.34), dbSNP rs751762161, ClinGen allele CA5271635.